The following is an entry in ClinVar:

NM_000400.4(ERCC2):c.181A>G (p.Arg61Gly)

Gene: ERCC2 (ERCC excision repair 2, TFIIH core complex helicase subunit; minus strand). Cytogenetic location: 19q13.32.
Variant type: single nucleotide variant.
Coding change: c.181A>G on transcript NM_000400.4 (MANE Select); coding-DNA position 181, A replaced by G.
Protein change: p.Arg61Gly; replaces arginine 61 with glycine.
Molecular consequence: missense variant.
Genome position (GRCh38, 1-based): chr19:45,369,072, T>C on the plus strand (A>G on the coding strand, the complement: ERCC2 is on the minus strand). VCF-style: chr19-45369072-T-C. GRCh37 (hg19) VCF-style: chr19-45872330-T-C.
Other names: c.109A>G, p.Arg37Gly (NM_001130867.2); short protein forms R61G, R37G.
Identifiers: ClinVar variation 2897602 (VCV002897602.3), dbSNP rs1420151470, ClinGen allele CA406379381.

ClinVar aggregate classification (germline): Uncertain significance (1 of 4 stars; one submission).

Allele frequency attached by ClinVar (database versions not stated): TOPMed below 0.00001; gnomAD 0.00001; gnomAD exomes 0.00001.
gnomAD v4.1: 6 of 1,614,028 alleles (0.00037%); highest among the groups gnomAD compares: Non-Finnish European, 0.00042%; no homozygotes.

Submission:

Labcorp Genetics (formerly Invitae), Labcorp
Classification: Uncertain significance. Last evaluated: 2024-04-22. Review status: criteria provided, single submitter. Criteria: Invitae Variant Classification Sherloc (09022015). Collection method: clinical testing. Allele origin: germline.
Comment: This sequence change replaces arginine, which is basic and polar, with glycine, which is neutral and non-polar, at codon 61 of the ERCC2 protein (p.Arg61Gly). This variant is present in population databases (no rsID available, gnomAD 0.0009%). This variant has not been reported in the literature in individuals affected with ERCC2-related conditions. An algorithm developed to predict the effect of missense changes on protein structure and function (PolyPhen-2) suggests that this variant is likely to be tolerated. Algorithms developed to predict the effect of sequence changes on RNA splicing suggest that this variant may disrupt the consensus splice site. In summary, the available evidence is currently insufficient to determine the role of this variant in disease. Therefore, it has been classified as a Variant of Uncertain Significance.